The following is an entry in ClinVar:

NM_017780.4(CHD7):c.7278G>C (p.Gln2426His)

Gene: CHD7 (chromodomain helicase DNA binding protein 7; plus strand). Cytogenetic location: 8q12.2.
Variant type: single nucleotide variant.
Coding change: c.7278G>C on transcript NM_017780.4 (MANE Select); coding-DNA position 7278, G replaced by C.
Protein change: p.Gln2426His; replaces glutamine 2426 with histidine.
Molecular consequence: missense variant. On other transcripts: intron variant (1).
Genome position (GRCh38, 1-based): chr8:60,856,558, G>C. VCF-style: chr8-60856558-G-C. GRCh37 (hg19) VCF-style: chr8-61769117-G-C.
Other names: c.1717-5671G>C (NM_001316690.1); short protein forms Q2426H.
Identifiers: ClinVar variation 2906109 (VCV002906109.3), dbSNP rs187311127, ClinGen allele CA371300515.

ClinVar aggregate classification (germline): Uncertain significance (1 of 4 stars; one submission).

Conditions:
CHARGE syndrome (CHARGE). Also called: Hittner Hirsch Kreh syndrome; CHARGE ASSOCIATION--COLOBOMA, HEART ANOMALY, CHOANAL ATRESIA, RETARDATION, GENITAL AND EAR ANOMALIES; Coloboma, heart anomaly, choanal atresia, retardation, genital and ear anomalies; CHARGE association; Hall-Hittner syndrome. Identifiers: Orphanet 138, MedGen C0265354, MONDO:0008965.

Submission:

Labcorp Genetics (formerly Invitae), Labcorp
Classification: Uncertain significance for CHARGE syndrome. Last evaluated: 2023-05-24. Review status: criteria provided, single submitter. Criteria: Invitae Variant Classification Sherloc (09022015). Collection method: clinical testing. Allele origin: germline.
Comment: This sequence change replaces glutamine, which is neutral and polar, with histidine, which is basic and polar, at codon 2426 of the CHD7 protein (p.Gln2426His). This variant is not present in population databases (gnomAD no frequency). This variant has not been reported in the literature in individuals affected with CHD7-related conditions. Advanced modeling of protein sequence and biophysical properties (such as structural, functional, and spatial information, amino acid conservation, physicochemical variation, residue mobility, and thermodynamic stability) performed at Invitae indicates that this missense variant is not expected to disrupt CHD7 protein function. In summary, the available evidence is currently insufficient to determine the role of this variant in disease. Therefore, it has been classified as a Variant of Uncertain Significance.